The following is an entry in ClinVar:

NM_001710.6(CFB):c.2058_2061del (p.Ser687fs)

Gene: CFB (complement factor B; plus strand). Cytogenetic location: 6p21.33.
Variant type: Microsatellite.
Coding change: c.2058_2061del on transcript NM_001710.6 (MANE Select); coding-DNA positions 2058 to 2061, 4 bases deleted (GAGT; older notation c.2058_2061delGAGT).
Protein change: p.Ser687fs; shifts the reading frame from serine 687.
Molecular consequence: frameshift variant.
Genome position (GRCh38, 1-based): chr6:31,951,442-31,951,445, GAGT deleted; deleting any 4 consecutive bases within chr6:31,951,438-31,951,445 gives the same sequence; the c. name uses the placement nearest the transcript's 3' end. VCF-style (leftmost placement, unchanged base first): chr6-31951437-GGAGT-G. GRCh37 (hg19) VCF-style: chr6-31919214-GGAGT-G.
Other names: short protein forms S687fs.
Identifiers: ClinVar variation 4280386 (VCV004280386.1).

ClinVar aggregate classification (germline): Uncertain significance (1 of 4 stars; one submission).

Conditions:
Atypical hemolytic-uremic syndrome. Identifiers: Orphanet 2134, MedGen C2931788, MONDO:0016244.

Submission:

Genomenon, Inc
Classification: Uncertain significance for Atypical hemolytic-uremic syndrome. Last evaluated: 2025-09-26. Review status: criteria provided, single submitter. Criteria: Genomenon Sequence Variant Interpretation Standards - Updated. Collection method: curation. Allele origin: germline. Affected: no.
Comment: CFB p.Ser687ProfsTer16 (c.2058_2061del) is a frameshift variant that results in the production of a truncated protein. This variant has been reported in the published literature (PMID:34349783). It is absent or not present at a significant frequency in gnomAD. In conclusion, we classify CFB p.Ser687ProfsTer16 (c.2058_2061del) as a variant of uncertain significance.

Literature cited by the submitters: PubMed 34349783.